The following is an entry in ClinVar:

ClinVar aggregate classification (germline): Uncertain significance (1 of 4 stars; one submission).

Conditions:
Gorlin syndrome. Also called: Basal cell nevus syndrome; Nevoid Basal Cell Carcinoma Syndrome. Identifiers: Orphanet 377, MedGen C0004779, MONDO:0007187.

Allele frequency attached by ClinVar (database versions not stated): gnomAD exomes 0.00001 and 0.00002; ExAC 0.00002; gnomAD 0.00008 and 0.00010; TOPMed 0.00013; ESP Exome Variant Server 0.00015.

Submission:

Labcorp Genetics (formerly Invitae), Labcorp
Classification: Uncertain significance for Gorlin syndrome. Last evaluated: 2024-09-23. Review status: criteria provided, single submitter. Criteria: Invitae Variant Classification Sherloc (09022015). Collection method: clinical testing. Allele origin: germline.
Comment: This sequence change replaces arginine, which is basic and polar, with tryptophan, which is neutral and slightly polar, at codon 415 of the PTCH2 protein (p.Arg415Trp). This variant is present in population databases (rs143737414, gnomAD 0.02%). This variant has not been reported in the literature in individuals affected with PTCH2-related conditions. ClinVar contains an entry for this variant (Variation ID: 1445444). Invitae Evidence Modeling of protein sequence and biophysical properties (such as structural, functional, and spatial information, amino acid conservation, physicochemical variation, residue mobility, and thermodynamic stability) indicates that this missense variant is expected to disrupt PTCH2 protein function with a positive predictive value of 80%. In summary, the available evidence is currently insufficient to determine the role of this variant in disease. Therefore, it has been classified as a Variant of Uncertain Significance.

NM_003738.5(PTCH2):c.1243C>T (p.Arg415Trp)

Gene: PTCH2 (patched 2; minus strand). Cytogenetic location: 1p34.1.
Variant type: single nucleotide variant.
Coding change: c.1243C>T on transcript NM_003738.5 (MANE Select); coding-DNA position 1243, C replaced by T.
Protein change: p.Arg415Trp; replaces arginine 415 with tryptophan.
Molecular consequence: missense variant.
Genome position (GRCh38, 1-based): chr1:44,829,285, G>A on the plus strand (C>T on the coding strand, the complement: PTCH2 is on the minus strand). VCF-style: chr1-44829285-G-A. GRCh37 (hg19) VCF-style: chr1-45294957-G-A.
Other names: c.1243C>T, p.Arg415Trp (NM_001166292.2); short protein forms R415W.
Identifiers: ClinVar variation 1445444 (VCV001445444.8), dbSNP rs143737414, ClinGen allele CA823373.